The following is an entry in ClinVar:

ClinVar aggregate classification (germline): Likely benign. Review status: criteria provided, multiple submitters, no conflicts (2 of 4 stars). 3 submissions from 3 submitters: Likely benign (2). 1 of the submissions does not count toward it. Last evaluated 2023-09-30.

Conditions:
Cardiovascular phenotype. Identifiers: MedGen CN230736.

Allele frequency attached by ClinVar (database versions not stated): 1000 Genomes Project 0.00020; gnomAD 0.00007 and 0.00006; 1000 Genomes Project 30x 0.00016; TOPMed 0.00006; ExAC 0.00007; gnomAD exomes 0.00009 and 0.00013.
gnomAD v4.1: 196 of 1,614,104 alleles (0.012%); highest among the groups gnomAD compares: East Asian, 0.39%; 1 homozygote.

Submissions (3):

Ambry Genetics
Classification: Likely benign for Cardiovascular phenotype. Last evaluated: 2023-09-30. Review status: criteria provided, single submitter. Criteria: Ambry Variant Classification Scheme 2023. Collection method: clinical testing. Allele origin: germline.

GeneDx
Classification: Likely benign. Last evaluated: 2018-06-11. Review status: criteria provided, single submitter. Criteria: GeneDx Variant Classification (06012015). Collection method: clinical testing. Allele origin: germline. Affected: yes.
Comment: This variant is considered likely benign or benign based on one or more of the following criteria: it is a conservative change, it occurs at a poorly conserved position in the protein, it is predicted to be benign by multiple in silico algorithms, and/or has population frequency not consistent with disease.

Leiden Muscular Dystrophy (MYPN)
No classification provided. Last evaluated: 2012-04-27. Review status: no classification provided. Collection method: curation. Allele origin: germline. Not counted in ClinVar's aggregate classification.

NM_032578.4(MYPN):c.1840G>A (p.Glu614Lys)

Gene: MYPN (myopalladin; plus strand). Cytogenetic location: 10q21.3.
Variant type: single nucleotide variant.
Coding change: c.1840G>A on transcript NM_032578.4 (MANE Select); coding-DNA position 1840, G replaced by A.
Protein change: p.Glu614Lys; replaces glutamic acid 614 with lysine.
Molecular consequence: missense variant. On other transcripts: non-coding transcript variant (2).
Genome position (GRCh38, 1-based): chr10:68,166,533, G>A. VCF-style: chr10-68166533-G-A. GRCh37 (hg19) VCF-style: chr10-69926290-G-A.
Other names: c.1840G>A (NM_032578.2); c.1840G>A, p.Glu614Lys (NM_001256267.2); c.958G>A, p.Glu320Lys (NM_001256268.2); short protein forms E614K, E320K.
Identifiers: ClinVar variation 31829 (VCV000031829.5), dbSNP rs143338091, ClinGen allele CA215365.
Genomic context (GRCh38, chr10:68,166,533, plus strand): 5'-ATTGGGCTTCGTGTGCACTTCAACCTGCCTGAAGATGACAAAGGAAGTGAAGCATCCTCC[G>A]AGGCTGGTGTGGTGACCACCAGACAGACCAGGCCCGATTCTTTCCAGGAGAGGTTCAACG-3'
Protein context (NP_115967.2, residues 604-624): EDDKGSEASS[Glu614Lys]AGVVTTRQTR